The following is an entry in ClinVar:

ClinVar aggregate classification (germline): Likely benign. Review status: criteria provided, single submitter (1 of 4 stars). 2 submissions from 2 submitters: Likely benign (1). 1 of the submissions does not count toward it. Last evaluated 2023-11-30.

Conditions:
PKD1-related disorder. Also called: PKD1-related condition.

Allele frequency attached by ClinVar (database versions not stated): gnomAD exomes 0.00002; ExAC 0.00005; TOPMed 0.00006; gnomAD 0.00007; ESP Exome Variant Server 0.00008.
gnomAD v4.1: 51 of 1,610,508 alleles (0.0032%); highest among the groups gnomAD compares: African/African-American, 0.015%; no homozygotes.

Submissions (2):

Blueprint Genetics
Classification: Likely benign. Last evaluated: 2023-11-30. Review status: criteria provided, single submitter. Criteria: ACMG Guidelines, 2015. Collection method: clinical testing. Allele origin: germline.

PreventionGenetics, part of Exact Sciences
Classification: Likely benign for PKD1-related condition. Last evaluated: 2019-03-04. Review status: no assertion criteria provided. Collection method: clinical testing. Allele origin: germline. Not counted in ClinVar's aggregate classification.
Comment: This variant is classified as likely benign based on ACMG/AMP sequence variant interpretation guidelines (Richards et al. 2015 PMID: 25741868, with internal and published modifications).

NM_001009944.3(PKD1):c.10168-43C>T

Gene: PKD1 (polycystin 1, transient receptor potential channel interacting; minus strand). Cytogenetic location: 16p13.3.
Variant type: single nucleotide variant.
Coding change: c.10168-43C>T on transcript NM_001009944.3 (MANE Select); 43 bases into the intron before coding-DNA position 10168, C replaced by T.
Molecular consequence: intron variant.
Genome position (GRCh38, 1-based): chr16:2,097,823, G>A on the plus strand (C>T on the coding strand, the complement: PKD1 is on the minus strand). VCF-style: chr16-2097823-G-A. GRCh37 (hg19) VCF-style: chr16-2147824-G-A.
Other names: c.10167+45C>T (NM_000296.4).
Identifiers: ClinVar variation 3057545 (VCV003057545.3), dbSNP rs372230405, ClinGen allele CA7829763.